The following is an entry in ClinVar:

NM_001363711.2(DUOX2):c.4318G>A (p.Asp1440Asn)

Gene: DUOX2 (dual oxidase 2; minus strand). Cytogenetic location: 15q21.1.
Variant type: single nucleotide variant.
Coding change: c.4318G>A on transcript NM_001363711.2 (MANE Select); coding-DNA position 4318, G replaced by A.
Protein change: p.Asp1440Asn; replaces aspartic acid 1440 with asparagine.
Molecular consequence: missense variant.
Genome position (GRCh38, 1-based): chr15:45,095,013, C>T on the plus strand (G>A on the coding strand, the complement: DUOX2 is on the minus strand). VCF-style: chr15-45095013-C-T. GRCh37 (hg19) VCF-style: chr15-45387211-C-T.
Other names: c.4318G>A, p.Asp1440Asn (NM_014080.5); short protein forms D1440N.
Identifiers: ClinVar variation 1917601 (VCV001917601.2), dbSNP rs374542623, ClinGen allele CA7537562.
Genomic context (GRCh38, chr15:45,095,013, plus strand): 5'-GGTCGAACTTCTCAGCCAGCTGGGTGACATAAATGTGCACAGACACCAGGTCCTGGTGGT[C>T]GTTCTCCTCCACCTCTTGGATGATGTCAGCCAGCCACTCAAACTGACGCTGGGTCCGTGT-3'
Protein context (NP_001350640.1, residues 1430-1450): ADIIQEVEEN[Asp1440Asn]HQDLVSVHIY

ClinVar aggregate classification (germline): Uncertain significance (1 of 4 stars; one submission).

Allele frequency attached by ClinVar (database versions not stated): gnomAD 0.00001; TOPMed 0.00001; ExAC 0.00002.

Submission:

Labcorp Genetics (formerly Invitae), Labcorp
Classification: Uncertain significance. Last evaluated: 2022-05-27. Review status: criteria provided, single submitter. Criteria: Invitae Variant Classification Sherloc (09022015). Collection method: clinical testing. Allele origin: germline.
Comment: This sequence change replaces aspartic acid, which is acidic and polar, with asparagine, which is neutral and polar, at codon 1440 of the DUOX2 protein (p.Asp1440Asn). This variant is present in population databases (rs374542623, gnomAD 0.002%). This missense change has been observed in individual(s) with DUOX2-related conditions (PMID: 29650690, 32765423). Advanced modeling of protein sequence and biophysical properties (such as structural, functional, and spatial information, amino acid conservation, physicochemical variation, residue mobility, and thermodynamic stability) performed at Invitae indicates that this missense variant is not expected to disrupt DUOX2 protein function. In summary, the available evidence is currently insufficient to determine the role of this variant in disease. Therefore, it has been classified as a Variant of Uncertain Significance.

Literature cited by the submitters: PubMed 29650690; PubMed 32765423.